The following is an entry in ClinVar:

NC_000004.12:g.186265849A>G

Gene: F11 (coagulation factor XI; plus strand). Cytogenetic location: 4q35.2.
Variant type: single nucleotide variant.
Genome position: GRCh38 VCF-style: chr4-186265849-A-G. GRCh37 (hg19) VCF-style: chr4-187187003-A-G.
Identifiers: ClinVar variation 3048113 (VCV003048113.2), dbSNP rs192994982, ClinGen allele CA112146138.

ClinVar aggregate classification (germline): Likely benign (0 of 4 stars; one submission).

Conditions:
F11-related disorder. Also called: F11-related condition.

Allele frequency attached by ClinVar (database versions not stated): 1000 Genomes Project 30x 0.00062; TOPMed 0.00066; 1000 Genomes Project 0.00080; gnomAD 0.00042.

Submission:

PreventionGenetics, part of Exact Sciences
Classification: Likely benign for F11-related condition. Last evaluated: 2024-01-12. Review status: no assertion criteria provided. Collection method: clinical testing. Allele origin: germline.
Comment: This variant is classified as likely benign based on ACMG/AMP sequence variant interpretation guidelines (Richards et al. 2015 PMID: 25741868, with internal and published modifications).